The following is an entry in ClinVar:

NM_007294.4(BRCA1):c.5130_5131insG (p.Lys1711fs)

Gene: BRCA1 (BRCA1 DNA repair associated; minus strand). Cytogenetic location: 17q21.31.
Variant type: Insertion.
Coding change: c.5130_5131insG on transcript NM_007294.4 (MANE Select); coding-DNA positions 5130 to 5131, G inserted.
Protein change: p.Lys1711fs; shifts the reading frame from lysine 1711.
Molecular consequence: frameshift variant. On other transcripts: non-coding transcript variant (1).
Genome position: GRCh38 VCF-style: chr17-43063895-T-TC. GRCh37 (hg19) VCF-style: chr17-41215912-T-TC.
Other names: c.5004_5005insG, p.Lys1669Glufs (NM_001407673.1, NM_001407674.1, NM_001407675.1 and 10 more transcripts); c.5001_5002insG, p.Lys1668Glufs (NM_001407681.1, NM_001407682.1, NM_001407683.1 and 6 more transcripts); c.5130_5131insG, p.Lys1711Glufs (NM_001407684.1, NM_001407593.1, NM_001407594.1 and 7 more transcripts); c.4998_4999insG, p.Lys1667Glufs (NM_001407690.1, NM_001407691.1); c.4989_4990insG, p.Lys1664Glufs (NM_001407692.1, NM_001407694.1, NM_001407695.1 and 12 more transcripts); c.4986_4987insG, p.Lys1663Glufs (NM_001407732.1, NM_001407733.1, NM_001407734.1 and 21 more transcripts); c.4917_4918insG, p.Lys1640Glufs (NM_001407571.1, NM_001407894.1, NM_001407895.1 and 12 more transcripts); c.5196_5197insG, p.Lys1733Glufs (NM_001407581.1, NM_001407582.1); and 74 more; short protein forms K1664fs, K1711fs, K1732fs, K607fs.
Identifiers: ClinVar variation 2113186 (VCV002113186.4), dbSNP rs2549506201, ClinGen allele CA2580093950.

ClinVar aggregate classification (germline): Pathogenic (1 of 4 stars; one submission).

Conditions:
Hereditary breast ovarian cancer syndrome. Also called: Hereditary breast and ovarian cancer syndrome; Hereditary breast and ovarian cancer; Hereditary breast and ovarian cancer syndrome (HBOC); Hereditary breast and/or ovarian cancer syndrome; Breast and ovarian cancer; BRCA1- and BRCA2-Associated Hereditary Breast and Ovarian Cancer. Identifiers: Orphanet 145, MedGen C0677776, MeSH D061325, MONDO:0003582. Disease mechanism: loss of function.

Submission:

Labcorp Genetics (formerly Invitae), Labcorp
Classification: Pathogenic for Hereditary breast ovarian cancer syndrome. Last evaluated: 2025-05-05. Review status: criteria provided, single submitter. Criteria: Invitae Variant Classification Sherloc (09022015). Collection method: clinical testing. Allele origin: germline.
Comment: This sequence change creates a premature translational stop signal (p.Lys1711Glufs*5) in the BRCA1 gene. It is expected to result in an absent or disrupted protein product. Loss-of-function variants in BRCA1 are known to be pathogenic (PMID: 20104584). This variant is not present in population databases (gnomAD no frequency). This variant has not been reported in the literature in individuals affected with BRCA1-related conditions. ClinVar contains an entry for this variant (Variation ID: 2113186). For these reasons, this variant has been classified as Pathogenic.

Literature cited by the submitters: PubMed 20104584.